The following is an entry in ClinVar:

ClinVar aggregate classification (germline): Uncertain significance (1 of 4 stars; one submission).

Conditions:
Hereditary sensory and autonomic neuropathy type 1 (HSAN1). Also called: HSAN 1; HSN Type I; Hereditary Sensory Neuropathy Type I. Identifiers: Orphanet 36386, MedGen C0020071, MONDO:0018213.

Allele frequency attached by ClinVar (database versions not stated): TOPMed below 0.00001.

Submission:

Labcorp Genetics (formerly Invitae), Labcorp
Classification: Uncertain significance for Hereditary sensory and autonomic neuropathy type 1. Last evaluated: 2023-05-23. Review status: criteria provided, single submitter. Criteria: Invitae Variant Classification Sherloc (09022015). Collection method: clinical testing. Allele origin: germline.
Comment: The frequency data for this variant in the population databases is considered unreliable, as metrics indicate poor data quality at this position in the gnomAD database. This variant has not been reported in the literature in individuals affected with SPTLC1-related conditions. Algorithms developed to predict the effect of sequence changes on RNA splicing suggest that this variant may disrupt the consensus splice site. In summary, the available evidence is currently insufficient to determine the role of this variant in disease. Therefore, it has been classified as a Variant of Uncertain Significance. This sequence change affects an acceptor splice site in intron 7 of the SPTLC1 gene. It is expected to disrupt RNA splicing. Variants that disrupt the donor or acceptor splice site typically lead to a loss of protein function (PMID: 16199547), however the current clinical and genetic evidence is not sufficient to establish whether loss-of-function variants in SPTLC1 cause disease.

Literature cited by the submitters: PubMed 16199547.

NM_006415.4(SPTLC1):c.691-2A>G

Gene: SPTLC1 (serine palmitoyltransferase long chain base subunit 1; minus strand). Cytogenetic location: 9q22.31.
Variant type: single nucleotide variant.
Coding change: c.691-2A>G on transcript NM_006415.4 (MANE Select); the canonical splice acceptor site of the intron before coding-DNA position 691, A replaced by G.
Molecular consequence: splice acceptor variant.
Genome position (GRCh38, 1-based): chr9:92,055,496, T>C on the plus strand (A>G on the coding strand, the complement: SPTLC1 is on the minus strand). VCF-style: chr9-92055496-T-C. GRCh37 (hg19) VCF-style: chr9-94817778-T-C.
Other names: c.691-2A>G (NM_001281303.2); c.325-2A>G (NM_001368272.1); c.226-2A>G (NM_001368273.1).
Identifiers: ClinVar variation 2725805 (VCV002725805.3), dbSNP rs1833858752, ClinGen allele CA373795329.